The following is an entry in ClinVar:

NM_021922.3(FANCE):c.656G>T (p.Arg219Ile)

Gene: FANCE (FA complementation group E; plus strand). Cytogenetic location: 6p21.31.
Variant type: single nucleotide variant.
Coding change: c.656G>T on transcript NM_021922.3 (MANE Select); coding-DNA position 656, G replaced by T.
Protein change: p.Arg219Ile; replaces arginine 219 with isoleucine.
Molecular consequence: missense variant.
Genome position (GRCh38, 1-based): chr6:35,456,154, G>T. VCF-style: chr6-35456154-G-T. GRCh37 (hg19) VCF-style: chr6-35423931-G-T.
Other names: short protein forms R219I.
Identifiers: ClinVar variation 652052 (VCV000652052.9), dbSNP rs551170184, ClinGen allele CA3771459.

ClinVar aggregate classification (germline): Uncertain significance. Review status: criteria provided, multiple submitters, no conflicts (2 of 4 stars). 2 submissions from 2 submitters: Uncertain significance (2). Last evaluated 2024-11-07.

Conditions:
Inborn genetic diseases. Identifiers: MedGen C0950123, MeSH D030342.
Fanconi anemia complementation group E (FANCE). Also called: FANCE-Related Fanconi Anemia. Identifiers: Orphanet 84, MedGen C3160739, MONDO:0010953, OMIM 600901.

Allele frequency attached by ClinVar (database versions not stated): gnomAD exomes 0.00005; ExAC 0.00008; 1000 Genomes Project 30x 0.00016; 1000 Genomes Project 0.00020.

Submissions (2):

Labcorp Genetics (formerly Invitae), Labcorp
Classification: Uncertain significance for Fanconi anemia complementation group E. Last evaluated: 2024-11-07. Review status: criteria provided, single submitter. Criteria: Invitae Variant Classification Sherloc (09022015). Collection method: clinical testing. Allele origin: germline.
Comment: This sequence change replaces arginine, which is basic and polar, with isoleucine, which is neutral and non-polar, at codon 219 of the FANCE protein (p.Arg219Ile). This variant is present in population databases (rs551170184, gnomAD 0.04%). This variant has not been reported in the literature in individuals affected with FANCE-related conditions. ClinVar contains an entry for this variant (Variation ID: 652052). Invitae Evidence Modeling of protein sequence and biophysical properties (such as structural, functional, and spatial information, amino acid conservation, physicochemical variation, residue mobility, and thermodynamic stability) indicates that this missense variant is expected to disrupt FANCE protein function with a positive predictive value of 80%. In summary, the available evidence is currently insufficient to determine the role of this variant in disease. Therefore, it has been classified as a Variant of Uncertain Significance.

Ambry Genetics
Classification: Uncertain significance for Inborn genetic diseases. Last evaluated: 2024-09-08. Review status: criteria provided, single submitter. Criteria: Ambry Variant Classification Scheme 2023. Collection method: clinical testing. Allele origin: germline.